The following is an entry in ClinVar:

ClinVar aggregate classification (germline): Likely benign. Review status: criteria provided, multiple submitters, no conflicts (2 of 4 stars). 5 submissions from 4 submitters: Likely benign (5). Last evaluated 2026-08-01.

Conditions:
Inborn genetic diseases. Identifiers: MedGen C0950123, MeSH D030342.
Familial cutaneous telangiectasia and oropharyngeal predisposition cancer syndrome. Identifiers: Orphanet 313846, MedGen C3281203, MONDO:0013806, OMIM 614564.
Seckel syndrome 1 (SCKL1). Also called: MICROCEPHALIC PRIMORDIAL DWARFISM I. Identifiers: Orphanet 808, MedGen C4551474, MONDO:0008869, OMIM 210600.

Allele frequency attached by ClinVar (database versions not stated): ExAC 0.00002; gnomAD 0.00003 and 0.00004; TOPMed 0.00004.
gnomAD v4.1: 37 of 1,614,108 alleles (0.0023%); highest among the groups gnomAD compares: Middle Eastern, 0.033%; no homozygotes.

Submissions (5):

CeGaT Center for Human Genetics Tuebingen
Classification: Likely benign. Last evaluated: 2026-08-01. Review status: criteria provided, single submitter. Criteria: CeGaT Center For Human Genetics Tuebingen Variant Classification Criteria Version 2. Collection method: clinical testing. Allele origin: germline. Affected: yes. Observed: 2 variant alleles.
Comment: ATR: BP4, BP7

Labcorp Genetics (formerly Invitae), Labcorp
Classification: Likely benign. Last evaluated: 2026-01-15. Review status: criteria provided, single submitter. Criteria: Invitae Variant Classification Sherloc (09022015). Collection method: clinical testing. Allele origin: germline.

Genome-Nilou Lab
Classification: Likely benign for Seckel syndrome 1. Last evaluated: 2023-02-08. Review status: criteria provided, single submitter. Criteria: ACMG Guidelines, 2015. Collection method: clinical testing. Allele origin: germline.

Genome-Nilou Lab
Classification: Likely benign for Familial cutaneous telangiectasia and oropharyngeal predisposition cancer syndrome. Last evaluated: 2023-02-08. Review status: criteria provided, single submitter. Criteria: ACMG Guidelines, 2015. Collection method: clinical testing. Allele origin: germline.

Ambry Genetics
Classification: Likely benign for Inborn genetic diseases. Last evaluated: 2022-02-23. Review status: criteria provided, single submitter. Criteria: Ambry Variant Classification Scheme 2023. Collection method: clinical testing. Allele origin: germline.

NM_001184.4(ATR):c.2922G>A (p.Thr974=)

Gene: ATR (ATR checkpoint kinase; minus strand). Cytogenetic location: 3q23.
Variant type: single nucleotide variant.
Coding change: c.2922G>A on transcript NM_001184.4 (MANE Select); coding-DNA position 2922, G replaced by A.
Protein change: p.Thr974=; no amino-acid change (threonine 974 retained).
Molecular consequence: synonymous variant.
Genome position (GRCh38, 1-based): chr3:142,550,186, C>T on the plus strand (G>A on the coding strand, the complement: ATR is on the minus strand). VCF-style: chr3-142550186-C-T. GRCh37 (hg19) VCF-style: chr3-142269028-C-T.
Other names: c.2730G>A, p.Thr910= (NM_001354579.2).
Identifiers: ClinVar variation 696805 (VCV000696805.33), dbSNP rs763559215, ClinGen allele CA2650247.
Genomic context (GRCh38, chr3:142,550,186, plus strand): 5'-ACTTACAGTAAGAAAACGATTAAGATCAGGAAAGTCGAAAACGTTGGCAATTTCAGACAA[C>T]GTATTTAAAGCCATTTCTCTCTGGTGAGCCACATCTTGTTTTCGCACGTCAGCATTCTGG-3'
Protein context (NP_001175.2, residues 964-984): VAHQREMALN[Thr974=]LSEIANVFDF